The following is an entry in ClinVar:

NM_004360.5(CDH1):c.972dup (p.Val325fs)

Gene: CDH1 (cadherin 1; plus strand). Cytogenetic location: 16q22.1.
Variant type: Duplication.
Coding change: c.972dup on transcript NM_004360.5 (MANE Select); coding-DNA position 972, one base duplicated (A; older notation c.972dupA).
Protein change: p.Val325fs; shifts the reading frame from valine 325.
Molecular consequence: frameshift variant. On other transcripts: 5 prime UTR variant (2).
Genome position (GRCh38, 1-based): chr16:68,811,823, A duplicated. VCF-style (leftmost placement, unchanged base first): chr16-68811822-G-GA. GRCh37 (hg19) VCF-style: chr16-68845725-G-GA.
Other names: c.972dup, p.Val325fs (NM_001317184.2); c.-644dup (NM_001317185.2); c.-848dup (NM_001317186.2); short protein forms V325fs.
Identifiers: ClinVar variation 823440 (VCV000823440.4), dbSNP rs1597894239, ClinGen allele CA915949306.

ClinVar aggregate classification (germline): Pathogenic (1 of 4 stars; one submission).

Conditions:
Hereditary cancer-predisposing syndrome. Also called: Tumor predisposition; Hereditary Cancer Syndrome; Neoplastic Syndromes, Hereditary; Hereditary neoplastic syndrome. Identifiers: Orphanet 140162, MedGen C0027672, MeSH D009386, MONDO:0015356.

Submission:

Ambry Genetics
Classification: Pathogenic for Hereditary cancer-predisposing syndrome. Last evaluated: 2018-12-14. Review status: criteria provided, single submitter. Criteria: Ambry Variant Classification Scheme 2023. Collection method: clinical testing. Allele origin: germline.
Comment: The c.972dupA pathogenic mutation, located in coding exon 7 of the CDH1 gene, results from a duplication of A at nucleotide position 972, causing a translational frameshift with a predicted alternate stop codon (p.V325Sfs*25). This alteration is expected to result in loss of function by premature protein truncation or nonsense-mediated mRNA decay. As such, this alteration is interpreted as a disease-causing mutation.